The following is an entry in ClinVar:

NM_004423.4(DVL3):c.1376C>T (p.Thr459Met)

Gene: DVL3 (dishevelled segment polarity protein 3; plus strand). Cytogenetic location: 3q27.1.
Variant type: single nucleotide variant.
Coding change: c.1376C>T on transcript NM_004423.4 (MANE Select); coding-DNA position 1376, C replaced by T.
Protein change: p.Thr459Met; replaces threonine 459 with methionine.
Molecular consequence: missense variant.
Genome position (GRCh38, 1-based): chr3:184,167,943, C>T. VCF-style: chr3-184167943-C-T. GRCh37 (hg19) VCF-style: chr3-183885731-C-T.
Other names: c.1376C>T (NM_004423.3); short protein forms T459M.
Identifiers: ClinVar variation 2868970 (VCV002868970.4), dbSNP rs774590984, ClinGen allele CA2727398.

ClinVar aggregate classification (germline): Uncertain significance. Review status: criteria provided, multiple submitters, no conflicts (2 of 4 stars). 2 submissions from 2 submitters: Uncertain significance (2). Last evaluated 2025-11-05.

Conditions:
Inborn genetic diseases. Identifiers: MedGen C0950123, MeSH D030342.

Allele frequency attached by ClinVar (database versions not stated): ExAC 0.00001; gnomAD exomes 0.00001.
gnomAD v4.1: 12 of 1,614,258 alleles (0.00074%); highest among the groups gnomAD compares: South Asian, 0.0099%; no homozygotes.

Submissions (2):

Ambry Genetics
Classification: Uncertain significance for Inborn genetic diseases. Last evaluated: 2025-11-05. Review status: criteria provided, single submitter. Criteria: Ambry Variant Classification Scheme 2023. Collection method: clinical testing. Allele origin: germline.

Labcorp Genetics (formerly Invitae), Labcorp
Classification: Uncertain significance. Last evaluated: 2023-11-03. Review status: criteria provided, single submitter. Criteria: Invitae Variant Classification Sherloc (09022015). Collection method: clinical testing. Allele origin: germline.
Comment: This sequence change replaces threonine, which is neutral and polar, with methionine, which is neutral and non-polar, at codon 459 of the DVL3 protein (p.Thr459Met). This variant is present in population databases (rs774590984, gnomAD 0.006%). This variant has not been reported in the literature in individuals affected with DVL3-related conditions. Advanced modeling of protein sequence and biophysical properties (such as structural, functional, and spatial information, amino acid conservation, physicochemical variation, residue mobility, and thermodynamic stability) performed at Invitae indicates that this missense variant is not expected to disrupt DVL3 protein function with a negative predictive value of 80%. In summary, the available evidence is currently insufficient to determine the role of this variant in disease. Therefore, it has been classified as a Variant of Uncertain Significance.